The following is an entry in ClinVar:

NM_020964.3(EPG5):c.1351C>T (p.Gln451Ter)

Genes: EPG5 (ectopic P-granules 5 autophagy tethering factor; minus strand), LOC126862737 (P300/CBP strongly-dependent group 1 enhancer GRCh37_chr18:43530707-43531906; plus strand). Cytogenetic location: 18q21.1.
Variant type: single nucleotide variant.
Coding change: c.1351C>T on transcript NM_020964.3 (MANE Select); coding-DNA position 1351, C replaced by T.
Protein change: p.Gln451Ter; replaces glutamine 451 with a stop codon.
Molecular consequence: nonsense.
Genome position (GRCh38, 1-based): chr18:45,951,140, G>A on the plus strand (C>T on the coding strand, the complement: EPG5 is on the minus strand). VCF-style: chr18-45951140-G-A. GRCh37 (hg19) VCF-style: chr18-43531106-G-A.
Other names: c.1351C>T, p.Gln451Ter (NM_001410858.1, NM_001410859.1); short protein forms Q451*.
Identifiers: ClinVar variation 2998808 (VCV002998808.3), dbSNP rs775499286, ClinGen allele CA8949754.

ClinVar aggregate classification (germline): Pathogenic (1 of 4 stars; one submission).

Conditions:
Vici syndrome (VICIS). Identifiers: Orphanet 1493, MedGen C1855772, MONDO:0009452, OMIM 242840.

Allele frequency attached by ClinVar (database versions not stated): ExAC 0.00001; gnomAD 0.00002; TOPMed 0.00002.

Submission:

Labcorp Genetics (formerly Invitae), Labcorp
Classification: Pathogenic for Vici syndrome. Last evaluated: 2023-04-24. Review status: criteria provided, single submitter. Criteria: Invitae Variant Classification Sherloc (09022015). Collection method: clinical testing. Allele origin: germline.
Comment: For these reasons, this variant has been classified as Pathogenic. This variant has not been reported in the literature in individuals affected with EPG5-related conditions. This variant is not present in population databases (gnomAD no frequency). This sequence change creates a premature translational stop signal (p.Gln451*) in the EPG5 gene. It is expected to result in an absent or disrupted protein product. Loss-of-function variants in EPG5 are known to be pathogenic (PMID: 23222957, 23674064).

Literature cited by the submitters: PubMed 23222957; PubMed 23674064.